The following is an entry in ClinVar:

ClinVar aggregate classification (germline): Uncertain significance (1 of 4 stars; one submission).

Conditions:
Dilated cardiomyopathy 1O (CMD1O). Also called: CARDIOMYOPATHY, DILATED, WITH VENTRICULAR TACHYCARDIA. Identifiers: Orphanet 154, MedGen C1837839, MONDO:0012062, OMIM 608569.

Submission:

Labcorp Genetics (formerly Invitae), Labcorp
Classification: Uncertain significance for Dilated cardiomyopathy 1O. Last evaluated: 2026-01-04. Review status: criteria provided, single submitter. Criteria: Invitae Variant Classification Sherloc (09022015). Collection method: clinical testing. Allele origin: germline.
Comment: This sequence change replaces isoleucine, which is neutral and non-polar, with threonine, which is neutral and polar, at codon 363 of the ABCC9 protein (p.Ile363Thr). This variant is not present in population databases (gnomAD no frequency). This variant has not been reported in the literature in individuals affected with ABCC9-related conditions. Invitae Evidence Modeling of protein sequence and biophysical properties (such as structural, functional, and spatial information, amino acid conservation, physicochemical variation, residue mobility, and thermodynamic stability) has been performed for this missense variant. However, the output from this modeling did not meet the statistical confidence thresholds required to predict the impact of this variant on ABCC9 protein function. In summary, the available evidence is currently insufficient to determine the role of this variant in disease. Therefore, it has been classified as a Variant of Uncertain Significance.

NM_020297.4(ABCC9):c.1088T>C (p.Ile363Thr)

Gene: ABCC9 (ATP binding cassette subfamily C member 9; minus strand). Cytogenetic location: 12p12.1.
Variant type: single nucleotide variant.
Coding change: c.1088T>C on transcript NM_020297.4 (MANE Select); coding-DNA position 1088, T replaced by C.
Protein change: p.Ile363Thr; replaces isoleucine 363 with threonine.
Molecular consequence: missense variant.
Genome position (GRCh38, 1-based): chr12:21,910,902, A>G on the plus strand (T>C on the coding strand, the complement: ABCC9 is on the minus strand). VCF-style: chr12-21910902-A-G. GRCh37 (hg19) VCF-style: chr12-22063836-A-G.
Other names: c.1088T>C, p.Ile363Thr (NM_001377273.1, NM_005691.4); c.224T>C, p.Ile75Thr (NM_001377274.1); short protein forms I363T, I75T.
Identifiers: ClinVar variation 4745816 (VCV004745816.1).